The following is an entry in ClinVar:

NM_001394372.1(BICRA):c.2822G>C (p.Arg941Pro)

Gene: BICRA (BRD4 interacting chromatin remodeling complex associated protein; plus strand). Cytogenetic location: 19q13.33.
Variant type: single nucleotide variant.
Coding change: c.2822G>C on transcript NM_001394372.1 (MANE Select); coding-DNA position 2822, G replaced by C.
Protein change: p.Arg941Pro; replaces arginine 941 with proline.
Molecular consequence: missense variant.
Genome position (GRCh38, 1-based): chr19:47,694,653, G>C. VCF-style: chr19-47694653-G-C. GRCh37 (hg19) VCF-style: chr19-48197910-G-C.
Other names: c.2822G>C, p.Arg941Pro (NM_015711.3); short protein forms R941P.
Identifiers: ClinVar variation 3600716 (VCV003600716.1).

ClinVar aggregate classification (germline): Uncertain significance (1 of 4 stars; one submission).

Submission:

GeneDx
Classification: Uncertain significance. Last evaluated: 2024-07-22. Review status: criteria provided, single submitter. Criteria: GeneDx Variant Classification Process June 2021. Collection method: clinical testing. Allele origin: germline. Affected: yes.
Comment: Not observed at significant frequency in large population cohorts (gnomAD); In silico analysis indicates that this missense variant does not alter protein structure/function; In silico analysis suggests this variant may impact gene splicing. In the absence of RNA/functional studies, the actual effect of this sequence change is unknown.; Has not been previously published as pathogenic or benign to our knowledge